The following is an entry in ClinVar:

NM_001353345.2(SETD1B):c.141_142del (p.Tyr48fs)

Gene: SETD1B (SET domain containing 1B, histone lysine methyltransferase; plus strand). Cytogenetic location: 12q24.31.
Variant type: Deletion.
Coding change: c.141_142del on transcript NM_001353345.2 (MANE Select); coding-DNA positions 141 to 142, 2 bases deleted (GT; older notation c.141_142delGT).
Protein change: p.Tyr48fs; shifts the reading frame from tyrosine 48.
Molecular consequence: frameshift variant.
Genome position (GRCh38, 1-based): chr12:121,804,878-121,804,879, GT deleted; deleting any 2 consecutive bases within chr12:121,804,877-121,804,879 gives the same sequence; the c. name uses the placement nearest the transcript's 3' end. VCF-style (leftmost placement, unchanged base first): chr12-121804876-CTG-C. GRCh37 (hg19) VCF-style: chr12-122242782-CTG-C.
Other names: short protein forms Y48fs.
Identifiers: ClinVar variation 1701216 (VCV001701216.31), dbSNP rs2137541869, ClinGen allele CA2580085904.

ClinVar aggregate classification (germline): Likely pathogenic (1 of 4 stars; one submission).

Submission:

CeGaT Center for Human Genetics Tuebingen
Classification: Likely pathogenic. Last evaluated: 2022-07-01. Review status: criteria provided, single submitter. Criteria: CeGaT Center For Human Genetics Tuebingen Variant Classification Criteria Version 2. Collection method: clinical testing. Allele origin: germline. Affected: yes. Observed: 1 variant allele.
Comment: SETD1B: PVS1:Strong, PM2